The following is an entry in ClinVar:

ClinVar aggregate classification (germline): Uncertain significance (1 of 4 stars; one submission).

Submission:

GeneDx
Classification: Uncertain significance. Last evaluated: 2023-10-13. Review status: criteria provided, single submitter. Criteria: GeneDx Variant Classification Process June 2021. Collection method: clinical testing. Allele origin: germline. Affected: yes.
Comment: Not observed at significant frequency in large population cohorts (gnomAD); In silico analysis supports that this missense variant has a deleterious effect on protein structure/function; Has not been previously published as pathogenic or benign to our knowledge

NM_005918.4(MDH2):c.689T>C (p.Ile230Thr)

Gene: MDH2 (malate dehydrogenase 2; plus strand). Cytogenetic location: 7q11.23.
Variant type: single nucleotide variant.
Coding change: c.689T>C on transcript NM_005918.4 (MANE Select); coding-DNA position 689, T replaced by C.
Protein change: p.Ile230Thr; replaces isoleucine 230 with threonine.
Molecular consequence: missense variant.
Genome position (GRCh38, 1-based): chr7:76,064,394, T>C. VCF-style: chr7-76064394-T-C. GRCh37 (hg19) VCF-style: chr7-75693712-T-C.
Other names: c.563T>C, p.Ile188Thr (NM_001282403.2); c.368T>C, p.Ile123Thr (NM_001282404.2); short protein forms I123T, I188T, I230T.
Identifiers: ClinVar variation 2578324 (VCV002578324.2), dbSNP rs2535871700, ClinGen allele CA367767447.